The following is an entry in ClinVar:

ClinVar aggregate classification (germline): Uncertain significance (1 of 4 stars; one submission).

gnomAD v4.1: 2 of 1,614,006 alleles (0.00012%); highest among the groups gnomAD compares: African/African-American, 0.0013%; no homozygotes.

Submission:

Labcorp Genetics (formerly Invitae), Labcorp
Classification: Uncertain significance. Last evaluated: 2025-06-04. Review status: criteria provided, single submitter. Criteria: Invitae Variant Classification Sherloc (09022015). Collection method: clinical testing. Allele origin: germline.
Comment: This sequence change replaces serine, which is neutral and polar, with leucine, which is neutral and non-polar, at codon 1986 of the VCAN protein (p.Ser1986Leu). This variant is not present in population databases (gnomAD no frequency). This variant has not been reported in the literature in individuals affected with VCAN-related conditions. An algorithm developed to predict the effect of missense changes on protein structure and function outputs the following: PolyPhen-2: "Benign". The leucine amino acid residue is found in multiple mammalian species, which suggests that this missense change does not adversely affect protein function. In summary, the available evidence is currently insufficient to determine the role of this variant in disease. Therefore, it has been classified as a Variant of Uncertain Significance.

NM_004385.5(VCAN):c.5957C>T (p.Ser1986Leu)

Genes: VCAN (versican; plus strand), VCAN-AS1 (VCAN antisense RNA 1; minus strand). Cytogenetic location: 5q14.3.
Variant type: single nucleotide variant.
Coding change: c.5957C>T on transcript NM_004385.5 (MANE Select); coding-DNA position 5957, C replaced by T.
Protein change: p.Ser1986Leu; replaces serine 1986 with leucine.
Molecular consequence: missense variant. On other transcripts: intron variant (2).
Genome position (GRCh38, 1-based): chr5:83,538,960, C>T. VCF-style: chr5-83538960-C-T. GRCh37 (hg19) VCF-style: chr5-82834779-C-T.
Other names: c.2996C>T, p.Ser999Leu (NM_001164097.2); c.4004-6577C>T (NM_001164098.2); c.1043-6577C>T (NM_001126336.3); short protein forms S1986L, S999L.
Identifiers: ClinVar variation 4807253 (VCV004807253.1).